The following is an entry in ClinVar:

NM_001378454.1(ALMS1):c.3547T>C (p.Trp1183Arg)

Gene: ALMS1 (ALMS1 centrosome and basal body associated protein; plus strand). Cytogenetic location: 2p13.1.
Variant type: single nucleotide variant.
Coding change: c.3547T>C on transcript NM_001378454.1 (MANE Select); coding-DNA position 3547, T replaced by C.
Protein change: p.Trp1183Arg; replaces tryptophan 1183 with arginine.
Molecular consequence: missense variant.
Genome position (GRCh38, 1-based): chr2:73,450,074, T>C. VCF-style: chr2-73450074-T-C. GRCh37 (hg19) VCF-style: chr2-73677201-T-C.
Other names: c.3550T>C, p.Trp1184Arg (NM_015120.4); short protein forms W1183R, W1184R.
Identifiers: ClinVar variation 1496593 (VCV001496593.5), dbSNP rs2103779356, ClinGen allele CA347275886.

ClinVar aggregate classification (germline): Uncertain significance (1 of 4 stars; one submission).

Conditions:
Alstrom syndrome (ALMS). Identifiers: Orphanet 64, MedGen C0268425, MONDO:0008763, OMIM 203800.

Submission:

Labcorp Genetics (formerly Invitae), Labcorp
Classification: Uncertain significance for Alstrom syndrome. Last evaluated: 2021-03-26. Review status: criteria provided, single submitter. Criteria: Invitae Variant Classification Sherloc (09022015). Collection method: clinical testing. Allele origin: germline.
Comment: This variant is not present in population databases (ExAC no frequency). In summary, the available evidence is currently insufficient to determine the role of this variant in disease. Therefore, it has been classified as a Variant of Uncertain Significance. Experimental studies and prediction algorithms are not available or were not evaluated, and the functional significance of this variant is currently unknown. This variant has not been reported in the literature in individuals with ALMS1-related conditions. This sequence change replaces tryptophan with arginine at codon 1184 of the ALMS1 protein (p.Trp1184Arg). The tryptophan residue is weakly conserved and there is a moderate physicochemical difference between tryptophan and arginine.